The following is an entry in ClinVar:

NM_005219.5(DIAPH1):c.3050T>C (p.Met1017Thr)

Gene: DIAPH1 (diaphanous related formin 1; minus strand). Cytogenetic location: 5q31.3.
Variant type: single nucleotide variant.
Coding change: c.3050T>C on transcript NM_005219.5 (MANE Select); coding-DNA position 3050, T replaced by C.
Protein change: p.Met1017Thr; replaces methionine 1017 with threonine.
Molecular consequence: missense variant.
Genome position (GRCh38, 1-based): chr5:141,528,551, A>G on the plus strand (T>C on the coding strand, the complement: DIAPH1 is on the minus strand). VCF-style: chr5-141528551-A-G. GRCh37 (hg19) VCF-style: chr5-140908118-A-G.
Other names: c.3023T>C, p.Met1008Thr (NM_001079812.3); c.3050T>C, p.Met1017Thr (NM_001314007.2); short protein forms M1017T, M1008T.
Identifiers: ClinVar variation 178340 (VCV000178340.19), dbSNP rs376220834, ClinGen allele CA182139.
Genomic context (GRCh38, chr5:141,528,551, plus strand): 5'-AACTTGAGGACATCGGGATAGTCATTCTCACACAACTCAGCCAAGAAGTGTAACAACGTC[A>G]TCTTCTGATCTGTGGACTTGGTGTCTCGAAGCTTAGAGAAAGAGGAGAAACTGTTAAATC-3'
Protein context (NP_005210.3, residues 1007-1027): LRDTKSTDQK[Met1017Thr]TLLHFLAELC

ClinVar aggregate classification (germline): Conflicting classifications of pathogenicity. Review status: criteria provided, conflicting classifications (1 of 4 stars). 9 submissions from 9 submitters: Uncertain significance (7); Likely benign (2). Last evaluated 2026-09-04.

Conditions:
DIAPH1-related disorder. Also called: DIAPH1-related condition.
Progressive microcephaly-seizures-cortical blindness-developmental delay syndrome. Also called: Seizures, cortical blindness, and microcephaly syndrome. Identifiers: Orphanet 477814, MedGen C5567650, MONDO:0014714, OMIM 616632.
Autosomal dominant nonsyndromic hearing loss 1. Also called: KONIGSMARK SYNDROME; DEAFNESS, AUTOSOMAL DOMINANT 1, WITH OR WITHOUT THROMBOCYTOPENIA. Identifiers: Orphanet 90635, MedGen C1852282, MONDO:0007424, OMIM 124900.
Inborn genetic diseases. Identifiers: MedGen C0950123, MeSH D030342.

Allele frequency attached by ClinVar (database versions not stated): gnomAD exomes 0.00004 and 0.00008; ESP Exome Variant Server 0.00008; ExAC 0.00009; TOPMed 0.00038; gnomAD 0.00040 and 0.00043.

Submissions (9):

PreventionGenetics, part of Exact Sciences
Classification: Uncertain significance for DIAPH1-related condition. Last evaluated: 2026-09-04. Review status: criteria provided, single submitter. Criteria: ACMG Guidelines, 2015. Collection method: clinical testing. Allele origin: germline.
Comment: The DIAPH1 c.3050T>C variant is predicted to result in the amino acid substitution p.Met1017Thr. To our knowledge, this variant has not been reported in the literature. This variant is reported in 0.12% of alleles in individuals of African descent in gnomAD. Although we suspect that this variant may be benign, at this time, the clinical significance of this variant is uncertain due to the absence of conclusive functional and genetic evidence.

Labcorp Genetics (formerly Invitae), Labcorp
Classification: Uncertain significance for Progressive microcephaly-seizures-cortical blindness-developmental delay syndrome; Autosomal dominant nonsyndromic hearing loss 1. Last evaluated: 2026-01-01. Review status: criteria provided, single submitter. Criteria: Invitae Variant Classification Sherloc (09022015). Collection method: clinical testing. Allele origin: germline.
Comment: This sequence change replaces methionine, which is neutral and non-polar, with threonine, which is neutral and polar, at codon 1017 of the DIAPH1 protein (p.Met1017Thr). This variant is present in population databases (rs376220834, gnomAD 0.1%). This missense change has been observed in individual(s) with a developmental disorder (PMID: 33057194). ClinVar contains an entry for this variant (Variation ID: 178340). An algorithm developed to predict the effect of missense changes on protein structure and function (PolyPhen-2) suggests that this variant is likely to be tolerated. In summary, the available evidence is currently insufficient to determine the role of this variant in disease. Therefore, it has been classified as a Variant of Uncertain Significance.

ARUP Laboratories, Molecular Genetics and Genomics, ARUP Laboratories
Classification: Uncertain significance. Last evaluated: 2025-04-30. Review status: criteria provided, single submitter. Criteria: ARUP Molecular Germline Variant Investigation Process 2024. Collection method: clinical testing. Allele origin: germline.

Mayo Clinic Laboratories, Mayo Clinic
Classification: Uncertain significance. Last evaluated: 2024-05-04. Review status: criteria provided, single submitter. Criteria: ACMG Guidelines, 2015. Collection method: clinical testing. Allele origin: germline. Observed: 1 variant allele.
Comment: BP5

GeneDx
Classification: Uncertain significance. Last evaluated: 2022-11-30. Review status: criteria provided, single submitter. Criteria: GeneDx Variant Classification Process June 2021. Collection method: clinical testing. Allele origin: germline. Affected: yes.
Comment: In silico analysis supports that this missense variant does not alter protein structure/function; Has not been previously published as pathogenic or benign to our knowledge

Department of Pathology and Laboratory Medicine, Sinai Health System
Classification: Uncertain significance for progressive microcephaly-seizures-cortical blindness-developmental delay syndrome. Last evaluated: 2022-10-14. Review status: criteria provided, single submitter. Criteria: ACMG Guidelines, 2015. Collection method: research. Allele origin: germline.

Ambry Genetics
Classification: Likely benign for Inborn genetic diseases. Last evaluated: 2022-08-12. Review status: criteria provided, single submitter. Criteria: Ambry Variant Classification Scheme 2023. Collection method: clinical testing. Allele origin: germline.

Blueprint Genetics
Classification: Likely benign. Last evaluated: 2021-10-12. Review status: criteria provided, single submitter. Criteria: ACMG Guidelines, 2015. Collection method: clinical testing. Allele origin: germline.

Laboratory for Molecular Medicine, Mass General Brigham Personalized Medicine
Classification: Uncertain significance. Last evaluated: 2014-04-11. Review status: criteria provided, single submitter. Criteria: LMM Criteria. Collection method: clinical testing. Allele origin: germline. Observed: 1 variant allele.
Comment: Variant classified as Uncertain Significance - Favor Benign. The Met1017Thr vari ant in DIAPH1 has not been previously reported in individuals with hearing loss. It was identified in 0.025% (1/4022) of African American chromosomes by the NHL BI Exome Sequencing Project. The methionine (Met) at position 1017 is conserved in mammals, but not in birds or evolutionari ly distant species, with many bird species having a threonine. This raises the possibility that a change at this position may be tolerated. In summary, while t he clinical significance of the Met1017Thr variant is uncertain, these data sugg est that it is more likely to be benign.

Literature cited by the submitters: PubMed 33057194 (cited by Labcorp Genetics (formerly Invitae), Labcorp).